The following is an entry in ClinVar:

NM_000384.3(APOB):c.9492G>A (p.Thr3164=)

Gene: APOB (apolipoprotein B; minus strand). Cytogenetic location: 2p24.1.
Variant type: single nucleotide variant.
Coding change: c.9492G>A on transcript NM_000384.3 (MANE Select); coding-DNA position 9492, G replaced by A.
Protein change: p.Thr3164=; no amino-acid change (threonine 3164 retained).
Molecular consequence: synonymous variant.
Genome position (GRCh38, 1-based): chr2:21,007,376, C>T on the plus strand (G>A on the coding strand, the complement: APOB is on the minus strand). VCF-style: chr2-21007376-C-T. GRCh37 (hg19) VCF-style: chr2-21230248-C-T.
Identifiers: ClinVar variation 695457 (VCV000695457.19), dbSNP rs200109262, ClinGen allele CA066594.

ClinVar aggregate classification (germline): Benign/Likely benign. Review status: criteria provided, multiple submitters, no conflicts (2 of 4 stars). 6 submissions from 6 submitters: Benign (2); Likely benign (4). Last evaluated 2026-08-01.

Conditions:
Familial hypercholesterolemia. Also called: Familial hypercholesterolaemia; Familial hypercholesterolemias. Identifiers: MedGen C0020445, MONDO:0005439.
Cardiovascular phenotype. Identifiers: MedGen CN230736.
Familial hypobetalipoproteinemia 1. Also called: Hypobetalipoproteinemia, normotriglyceridemic; Acanthocytosis with hypobetalipoproteinemia; APOB-Related Familial Hypobetalipoproteinemia. Identifiers: MedGen C4551990, MONDO:0014252, OMIM 615558.
Hypercholesterolemia, autosomal dominant, type B (FHCL2). Also called: HYPERCHOLESTEROLEMIA, FAMILIAL, DUE TO LIGAND-DEFECTIVE APOLIPOPROTEIN B; APOB-Related Familial Hypercholesterolemia, Autosomal Dominant; APOLIPOPROTEIN B-100, FAMILIAL LIGAND-DEFECTIVE; APOLIPOPROTEIN B-100, FAMILIAL DEFECTIVE; Familial Hypercholesterolemia Type B; Hyperlipoproteinemia Type IIb. Identifiers: MedGen C1704417, MONDO:0007751, OMIM 144010.

Allele frequency attached by ClinVar (database versions not stated): TOPMed 0.00005; gnomAD exomes 0.00011 and 0.00026; gnomAD 0.00017 and 0.00018; ExAC 0.00026; 1000 Genomes Project 0.00040; 1000 Genomes Project 30x 0.00047.
gnomAD v4.1: 184 of 1,613,904 alleles (0.011%); highest among the groups gnomAD compares: Middle Eastern, 0.082%; no homozygotes.

Submissions (6):

CeGaT Center for Human Genetics Tuebingen
Classification: Likely benign. Last evaluated: 2026-08-01. Review status: criteria provided, single submitter. Criteria: CeGaT Center For Human Genetics Tuebingen Variant Classification Criteria Version 2. Collection method: clinical testing. Allele origin: germline. Affected: yes. Observed: 1 variant allele.
Comment: APOB: BP4, BP7

Labcorp Genetics (formerly Invitae), Labcorp
Classification: Benign for Familial hypobetalipoproteinemia 1; Hypercholesterolemia, autosomal dominant, type B. Last evaluated: 2025-10-15. Review status: criteria provided, single submitter. Criteria: Invitae Variant Classification Sherloc (09022015). Collection method: clinical testing. Allele origin: germline.

GENinCode PLC
Classification: Likely benign for Familial hypercholesterolemia. Last evaluated: 2025-07-16. Review status: criteria provided, single submitter. Criteria: ACMG Guidelines, 2015. Collection method: clinical testing. Allele origin: germline.
Comment: This is a synonymous (silent) variant that is not predicted to impact splicing and occurs at a nucleotide which is not highly conserved. This variant has been classified as Likely Benign (BP4, BP7).

Ambry Genetics
Classification: Likely benign for Cardiovascular phenotype. Last evaluated: 2024-12-28. Review status: criteria provided, single submitter. Criteria: Ambry Variant Classification Scheme 2023. Collection method: clinical testing. Allele origin: germline.

Blueprint Genetics
Classification: Likely benign. Last evaluated: 2024-05-08. Review status: criteria provided, single submitter. Criteria: ACMG Guidelines, 2015. Collection method: clinical testing. Allele origin: germline.

Breakthrough Genomics
Classification: Benign. Review status: criteria provided, single submitter. Criteria: ACMG Guidelines, 2015. Collection method: not provided. Allele origin: germline. Inheritance: Autosomal recessive inheritance. Affected: yes.